The following is an entry in ClinVar:

ClinVar aggregate classification (germline): Uncertain significance (1 of 4 stars; one submission).

gnomAD v4.1: 1 of 1,601,058 alleles (0.000062%); highest among the groups gnomAD compares: Non-Finnish European, 0.000085%; no homozygotes.

Submission:

Ambry Genetics
Classification: Uncertain significance. Last evaluated: 2026-05-21. Review status: criteria provided, single submitter. Criteria: Ambry Variant Classification Scheme 2023. Collection method: clinical testing. Allele origin: germline.
Comment: The p.I474L variant (also known as c.1420A>C), located in coding exon 6 of the WNK2 gene, results from an A to C substitution at nucleotide position 1420. The isoleucine at codon 474 is replaced by leucine, an amino acid with highly similar properties. This amino acid position is conserved. In addition, this alteration is predicted to be tolerated by in silico analysis. Based on the available evidence, the clinical significance of this variant remains unclear.

NM_006648.4(WNK2):c.1420A>C (p.Ile474Leu)

Gene: WNK2 (WNK lysine deficient protein kinase 2; plus strand). Cytogenetic location: 9q22.31.
Variant type: single nucleotide variant.
Coding change: c.1420A>C on transcript NM_006648.4 (MANE Select); coding-DNA position 1420, A replaced by C.
Protein change: p.Ile474Leu; replaces isoleucine 474 with leucine.
Molecular consequence: missense variant.
Genome position (GRCh38, 1-based): chr9:93,239,854, A>C. VCF-style: chr9-93239854-A-C. GRCh37 (hg19) VCF-style: chr9-96002136-A-C.
Other names: c.1420A>C, p.Ile474Leu (NM_001282394.3); short protein forms I474L.
Identifiers: ClinVar variation 4866692 (VCV004866692.1).